The following is an entry in ClinVar:

ClinVar aggregate classification (germline): Uncertain significance (1 of 4 stars; one submission).

gnomAD v4.1: 5 of 1,613,900 alleles (0.00031%); highest among the groups gnomAD compares: Middle Eastern, 0.017%; no homozygotes.

Submission:

GeneDx
Classification: Uncertain significance. Last evaluated: 2024-08-17. Review status: criteria provided, single submitter. Criteria: GeneDx Variant Classification Process June 2021. Collection method: clinical testing. Allele origin: germline. Affected: yes.
Comment: Not observed at significant frequency in large population cohorts (gnomAD); In silico analysis supports that this missense variant has a deleterious effect on protein structure/function; Has not been previously published as pathogenic or benign to our knowledge

NM_020964.3(EPG5):c.1982A>G (p.Tyr661Cys)

Gene: EPG5 (ectopic P-granules 5 autophagy tethering factor; minus strand). Cytogenetic location: 18q21.1.
Variant type: single nucleotide variant.
Coding change: c.1982A>G on transcript NM_020964.3 (MANE Select); coding-DNA position 1982, A replaced by G.
Protein change: p.Tyr661Cys; replaces tyrosine 661 with cysteine.
Molecular consequence: missense variant.
Genome position (GRCh38, 1-based): chr18:45,939,717, T>C on the plus strand (A>G on the coding strand, the complement: EPG5 is on the minus strand). VCF-style: chr18-45939717-T-C. GRCh37 (hg19) VCF-style: chr18-43519683-T-C.
Other names: c.1982A>G, p.Tyr661Cys (NM_001410858.1, NM_001410859.1); short protein forms Y661C.
Identifiers: ClinVar variation 3731117 (VCV003731117.1).